The following is an entry in ClinVar:

NM_000368.5(TSC1):c.1501G>T (p.Gly501Ter)

Gene: TSC1 (TSC complex subunit 1; minus strand). Cytogenetic location: 9q34.13.
Variant type: single nucleotide variant.
Coding change: c.1501G>T on transcript NM_000368.5 (MANE Select); coding-DNA position 1501, G replaced by T.
Protein change: p.Gly501Ter; replaces glycine 501 with a stop codon.
Molecular consequence: nonsense.
Genome position (GRCh38, 1-based): chr9:132,906,077, C>A on the plus strand (G>T on the coding strand, the complement: TSC1 is on the minus strand). VCF-style: chr9-132906077-C-A. GRCh37 (hg19) VCF-style: chr9-135781464-C-A.
Other names: c.1498G>T, p.Gly500Ter (NM_001162426.2); c.1348G>T, p.Gly450Ter (NM_001162427.2); c.1138G>T, p.Gly380Ter (NM_001362177.2); short protein forms G501*, G380*, G450*, G500*.
Identifiers: ClinVar variation 48794 (VCV000048794.3), dbSNP rs118203539, ClinGen allele CA004963.

ClinVar aggregate classification (germline): Pathogenic. Review status: criteria provided, single submitter (1 of 4 stars). 2 submissions from 2 submitters: Pathogenic (1). 1 of the submissions does not count toward it. Last evaluated 2025-05-08.

Conditions:
Tuberous sclerosis syndrome (TSC). Also called: Tuberous Sclerosis Complex; Tuberous sclerosis. Identifiers: Orphanet 805, MedGen C0041341, MONDO:0001734.
Tuberous sclerosis 1 (TSC1). Identifiers: Orphanet 805, MedGen C1854465, MONDO:0008612, OMIM 191100.

Submissions (2):

Labcorp Genetics (formerly Invitae), Labcorp
Classification: Pathogenic for Tuberous sclerosis 1. Last evaluated: 2025-05-08. Review status: criteria provided, single submitter. Criteria: Invitae Variant Classification Sherloc (09022015). Collection method: clinical testing. Allele origin: germline.
Comment: This sequence change creates a premature translational stop signal (p.Gly501*) in the TSC1 gene. It is expected to result in an absent or disrupted protein product. Loss-of-function variants in TSC1 are known to be pathogenic (PMID: 10227394, 17304050). This variant is not present in population databases (gnomAD no frequency). This premature translational stop signal has been observed in individual(s) with tuberous sclerosis complex (PMID: 17304050). ClinVar contains an entry for this variant (Variation ID: 48794). For these reasons, this variant has been classified as Pathogenic.

Tuberous sclerosis database (TSC1)
No classification provided. Condition: TSC. Review status: no classification provided. Criteria: Tuberous Sclerosis Database Assertion Criteria 2015. Collection method: curation. Allele origin: germline. Affected: yes. Not counted in ClinVar's aggregate classification.

Literature cited by the submitters: PubMed 10227394 (cited by Labcorp Genetics (formerly Invitae), Labcorp); PubMed 17304050 (cited by Labcorp Genetics (formerly Invitae), Labcorp).